The following is an entry in ClinVar:

ClinVar aggregate classification (germline): Uncertain significance (1 of 4 stars; one submission).

Conditions:
Nephrolithiasis/nephrocalcinosis. Identifiers: MedGen CN580796.

gnomAD v4.1: 5 of 1,612,584 alleles (0.00031%); highest among the groups gnomAD compares: South Asian, 0.0033%; no homozygotes.

Submission:

Ambry Genetics
Classification: Uncertain significance for Nephrolithiasis/nephrocalcinosis. Last evaluated: 2025-05-09. Review status: criteria provided, single submitter. Criteria: Ambry Variant Classification Scheme 2023. Collection method: clinical testing. Allele origin: germline.
Comment: The c.430C>G (p.L144V) alteration is located in exon 5 (coding exon 5) of the GRHPR gene. This alteration results from a C to G substitution at nucleotide position 430, causing the leucine (L) at amino acid position 144 to be replaced by a valine (V). Based on data from gnomAD, the G allele has an overall frequency of 0.002% (4/250840) total alleles studied. The highest observed frequency was 0.013% (4/30616) of South Asian alleles. This amino acid position is well conserved in available vertebrate species. The in silico prediction for this alteration is inconclusive. Based on insufficient or conflicting evidence, the clinical significance of this alteration remains unclear.

NM_012203.2(GRHPR):c.430C>G (p.Leu144Val)

Gene: GRHPR (glyoxylate and hydroxypyruvate reductase; plus strand). Cytogenetic location: 9p13.2.
Variant type: single nucleotide variant.
Coding change: c.430C>G on transcript NM_012203.2 (MANE Select); coding-DNA position 430, C replaced by G.
Protein change: p.Leu144Val; replaces leucine 144 with valine.
Molecular consequence: missense variant.
Genome position (GRCh38, 1-based): chr9:37,428,509, C>G. VCF-style: chr9-37428509-C-G. GRCh37 (hg19) VCF-style: chr9-37428506-C-G.
Other names: short protein forms L144V.
Identifiers: ClinVar variation 4032244 (VCV004032244.1).